The following is an entry in ClinVar:

ClinVar aggregate classification (germline): Uncertain significance (1 of 4 stars; one submission).

gnomAD v4.1: 19 of 1,613,818 alleles (0.0012%); highest among the groups gnomAD compares: Non-Finnish European, 0.0014%; no homozygotes.

Submission:

Labcorp Genetics (formerly Invitae), Labcorp
Classification: Uncertain significance. Last evaluated: 2024-06-12. Review status: criteria provided, single submitter. Criteria: Invitae Variant Classification Sherloc (09022015). Collection method: clinical testing. Allele origin: germline.
Comment: This sequence change replaces valine, which is neutral and non-polar, with glycine, which is neutral and non-polar, at codon 1003 of the LRP6 protein (p.Val1003Gly). This variant is present in population databases (rs764270308, gnomAD 0.002%). This variant has not been reported in the literature in individuals affected with LRP6-related conditions. Advanced modeling of protein sequence and biophysical properties (such as structural, functional, and spatial information, amino acid conservation, physicochemical variation, residue mobility, and thermodynamic stability) performed at Invitae indicates that this missense variant is not expected to disrupt LRP6 protein function with a negative predictive value of 80%. In summary, the available evidence is currently insufficient to determine the role of this variant in disease. Therefore, it has been classified as a Variant of Uncertain Significance.

NM_002336.3(LRP6):c.3008T>G (p.Val1003Gly)

Gene: LRP6 (LDL receptor related protein 6; minus strand). Cytogenetic location: 12p13.2.
Variant type: single nucleotide variant.
Coding change: c.3008T>G on transcript NM_002336.3 (MANE Select); coding-DNA position 3008, T replaced by G.
Protein change: p.Val1003Gly; replaces valine 1003 with glycine.
Molecular consequence: missense variant. On other transcripts: non-coding transcript variant (1).
Genome position (GRCh38, 1-based): chr12:12,149,140, A>C on the plus strand (T>G on the coding strand, the complement: LRP6 is on the minus strand). VCF-style: chr12-12149140-A-C. GRCh37 (hg19) VCF-style: chr12-12302074-A-C.
Other names: c.3008T>G, p.Val1003Gly (NM_001414244.1, NM_001414245.1, NM_001414246.1 and 4 more transcripts); c.2810T>G, p.Val937Gly (NM_001414247.1); c.2555T>G, p.Val852Gly (NM_001414252.1, NM_001414253.1, NM_001414254.1); c.2501T>G, p.Val834Gly (NM_001414255.1); short protein forms V1003G, V834G, V852G, V937G.
Identifiers: ClinVar variation 3617444 (VCV003617444.2).